The following is an entry in ClinVar:

ClinVar aggregate classification (germline): Likely benign. Review status: criteria provided, multiple submitters, no conflicts (2 of 4 stars). 2 submissions from 2 submitters: Likely benign (2). Last evaluated 2025-06-10.

Allele frequency attached by ClinVar (database versions not stated): TOPMed 0.00002; ExAC 0.00003; gnomAD 0.00004.
gnomAD v4.1: 34 of 1,613,472 alleles (0.0021%); highest among the groups gnomAD compares: Admixed American, 0.0033%; no homozygotes.

Submissions (2):

Ambry Genetics
Classification: Likely benign. Last evaluated: 2025-06-10. Review status: criteria provided, single submitter. Criteria: Ambry Variant Classification Scheme 2023. Collection method: clinical testing. Allele origin: germline.

CeGaT Center for Human Genetics Tuebingen
Classification: Likely benign. Last evaluated: 2022-10-01. Review status: criteria provided, single submitter. Criteria: CeGaT Center For Human Genetics Tuebingen Variant Classification Criteria Version 2. Collection method: clinical testing. Allele origin: germline. Affected: yes. Observed: 1 variant allele.
Comment: OS9: BP4, BP7

NM_006812.4(OS9):c.621C>T (p.Ile207=)

Gene: OS9 (OS9 endoplasmic reticulum lectin; plus strand). Cytogenetic location: 12q14.1.
Variant type: single nucleotide variant.
Coding change: c.621C>T on transcript NM_006812.4 (MANE Select); coding-DNA position 621, C replaced by T.
Protein change: p.Ile207=; no amino-acid change (isoleucine 207 retained).
Molecular consequence: synonymous variant.
Genome position (GRCh38, 1-based): chr12:57,715,801, C>T. VCF-style: chr12-57715801-C-T. GRCh37 (hg19) VCF-style: chr12-58109584-C-T.
Other names: c.621C>T (NM_006812.3); c.621C>T, p.Ile207= (NM_001017956.3, NM_001017957.3, NM_001017958.3 and 4 more transcripts); c.522C>T, p.Ile174= (NM_001261421.2); c.465C>T, p.Ile155= (NM_001261422.2); c.444C>T, p.Ile148= (NM_001261423.2).
Identifiers: ClinVar variation 2643147 (VCV002643147.24), dbSNP rs767995006, ClinGen allele CA6656123.